The following is an entry in ClinVar:

ClinVar aggregate classification (germline): Uncertain significance. Review status: criteria provided, multiple submitters, no conflicts (2 of 4 stars). 3 submissions from 3 submitters: Uncertain significance (3). Last evaluated 2024-11-27.

Conditions:
RYR1-related disorder. Also called: RYR1-related disorders; RYR1-related condition. Identifiers: MedGen CN239331.
Inborn genetic diseases. Identifiers: MedGen C0950123, MeSH D030342.
Malignant hyperthermia, susceptibility to, 1 (MHS1). Also called: RYR1-Related Malignant Hyperthermia Susceptibility; Malignant hyperthermia suceptibility 1; Anesthesia related hyperthermia; Malignant hyperpyrexia; Fulminating hyperpyrexia; Pharmacogenic myopathy. Identifiers: Orphanet 423, MedGen C2930980, MONDO:0007783, OMIM 145600.

gnomAD v4.1: 58 of 1,613,864 alleles (0.0036%); highest among the groups gnomAD compares: Non-Finnish European, 0.0042%; no homozygotes.

Submissions (3):

Labcorp Genetics (formerly Invitae), Labcorp
Classification: Uncertain significance for RYR1-related disorder. Last evaluated: 2024-11-27. Review status: criteria provided, single submitter. Criteria: Invitae Variant Classification Sherloc (09022015). Collection method: clinical testing. Allele origin: germline.
Comment: This sequence change replaces valine, which is neutral and non-polar, with leucine, which is neutral and non-polar, at codon 3511 of the RYR1 protein (p.Val3511Leu). This variant is present in population databases (rs376389988, gnomAD 0.01%). This variant has not been reported in the literature in individuals affected with RYR1-related conditions. ClinVar contains an entry for this variant (Variation ID: 1387487). Invitae Evidence Modeling of protein sequence and biophysical properties (such as structural, functional, and spatial information, amino acid conservation, physicochemical variation, residue mobility, and thermodynamic stability) has been performed for this missense variant. However, the output from this modeling did not meet the statistical confidence thresholds required to predict the impact of this variant on RYR1 protein function. In summary, the available evidence is currently insufficient to determine the role of this variant in disease. Therefore, it has been classified as a Variant of Uncertain Significance.

Color Diagnostics, LLC DBA Color Health
Classification: Uncertain significance for Malignant hyperthermia, susceptibility to, 1. Last evaluated: 2024-02-13. Review status: criteria provided, single submitter. Criteria: ACMG Guidelines, 2015. Collection method: clinical testing. Allele origin: germline.
Comment: This missense variant replaces valine with leucine at codon 3511 of the RYR1 protein. Computational prediction suggests that this variant may have deleterious impact on protein structure and function. To our knowledge, functional studies have not been reported for this variant. This variant has not been reported in individuals affected with RYR1-related disorders in the literature. This variant has been identified in 15/251374 chromosomes in the general population by the Genome Aggregation Database (gnomAD). The available evidence is insufficient to determine the role of this variant in disease conclusively. Therefore, this variant is classified as a Variant of Uncertain Significance.

Ambry Genetics
Classification: Uncertain significance for Inborn genetic diseases. Last evaluated: 2023-01-25. Review status: criteria provided, single submitter. Criteria: Ambry Variant Classification Scheme 2023. Collection method: clinical testing. Allele origin: germline.

NM_000540.3(RYR1):c.10531G>T (p.Val3511Leu)

Gene: RYR1 (ryanodine receptor 1; plus strand). Cytogenetic location: 19q13.2.
Variant type: single nucleotide variant.
Coding change: c.10531G>T on transcript NM_000540.3 (MANE Select); coding-DNA position 10531, G replaced by T.
Protein change: p.Val3511Leu; replaces valine 3511 with leucine.
Molecular consequence: missense variant.
Genome position (GRCh38, 1-based): chr19:38,525,407, G>T. VCF-style: chr19-38525407-G-T. GRCh37 (hg19) VCF-style: chr19-39016047-G-T.
Other names: c.10516G>T, p.Val3506Leu (NM_001042723.2); c.10531G>T (NM_000540.2); short protein forms V3511L, V3506L.
Identifiers: ClinVar variation 1387487 (VCV001387487.9), dbSNP rs376389988, ClinGen allele CA053970.